The following is an entry in ClinVar:

NM_206933.4(USH2A):c.11520T>G (p.Tyr3840Ter)

Gene: USH2A (usherin; minus strand). Cytogenetic location: 1q41.
Variant type: single nucleotide variant.
Coding change: c.11520T>G on transcript NM_206933.4 (MANE Select); coding-DNA position 11520, T replaced by G.
Protein change: p.Tyr3840Ter; replaces tyrosine 3840 with a stop codon.
Molecular consequence: nonsense.
Genome position (GRCh38, 1-based): chr1:215,743,205, A>C on the plus strand (T>G on the coding strand, the complement: USH2A is on the minus strand). VCF-style: chr1-215743205-A-C. GRCh37 (hg19) VCF-style: chr1-215916547-A-C.
Other names: short protein forms Y3840*.
Identifiers: ClinVar variation 3338036 (VCV003338036.1).

ClinVar aggregate classification (germline): Pathogenic (1 of 4 stars; one submission).

Conditions:
Usher syndrome type 2A. Also called: USHER SYNDROME, TYPE IIA; RETINAL DISEASE IN USHER SYNDROME TYPE IIA, MODIFIER OF. Identifiers: Orphanet 231178, Orphanet 886, MedGen C1848634, MONDO:0010169, OMIM 276901.

Submission:

Laboratory of Prof. Karen Avraham, Tel Aviv University
Classification: Pathogenic for Usher syndrome type 2A. Last evaluated: 2024-08-20. Review status: criteria provided, single submitter. Criteria: ACMG Guidelines, 2015. Collection method: research. Allele origin: germline. Affected: yes. Observed: 1 variant allele.
Comment: The p.(Tyr3840*) is a novel nonsense recessive variant in a known USH2A gene with many nonsense known mutations, including in exon 59.